The following is an entry in ClinVar:

NM_001261826.3(AP3D1):c.1431G>T (p.Gly477=)

Gene: AP3D1 (adaptor related protein complex 3 subunit delta 1; minus strand). Cytogenetic location: 19p13.3.
Variant type: single nucleotide variant.
Coding change: c.1431G>T on transcript NM_001261826.3 (MANE Select); coding-DNA position 1431, G replaced by T.
Protein change: p.Gly477=; no amino-acid change (glycine 477 retained).
Molecular consequence: synonymous variant.
Genome position (GRCh38, 1-based): chr19:2,120,912, C>A on the plus strand (G>T on the coding strand, the complement: AP3D1 is on the minus strand). VCF-style: chr19-2120912-C-A. GRCh37 (hg19) VCF-style: chr19-2120911-C-A.
Other names: c.1431G>T, p.Gly477= (NM_001374799.1, NM_003938.8).
Identifiers: ClinVar variation 1490499 (VCV001490499.6), dbSNP rs2018590351, ClinGen allele CA504774527.

ClinVar aggregate classification (germline): Uncertain significance (1 of 4 stars; one submission).

Submission:

Labcorp Genetics (formerly Invitae), Labcorp
Classification: Uncertain significance. Last evaluated: 2022-07-19. Review status: criteria provided, single submitter. Criteria: Invitae Variant Classification Sherloc (09022015). Collection method: clinical testing. Allele origin: germline.
Comment: This sequence change affects codon 477 of the AP3D1 mRNA. It is a 'silent' change, meaning that it does not change the encoded amino acid sequence of the AP3D1 protein. In summary, the available evidence is currently insufficient to determine the role of this variant in disease. Therefore, it has been classified as a Variant of Uncertain Significance. Algorithms developed to predict the effect of sequence changes on RNA splicing suggest that this variant may create or strengthen a splice site. ClinVar contains an entry for this variant (Variation ID: 1490499). This variant has not been reported in the literature in individuals affected with AP3D1-related conditions. This variant is not present in population databases (gnomAD no frequency).